The following is an entry in ClinVar:

NM_134425.4(SLC26A1):c.594C>T (p.Asn198=)

Gene: SLC26A1 (solute carrier family 26 member 1; minus strand). Cytogenetic location: 4p16.3.
Variant type: single nucleotide variant.
Coding change: c.594C>T on transcript NM_134425.4; coding-DNA position 594, C replaced by T.
Protein change: p.Asn198=; no amino-acid change (asparagine 198 retained).
Molecular consequence: synonymous variant.
Genome position (GRCh38, 1-based): chr4:979,487, G>A on the plus strand (C>T on the coding strand, the complement: SLC26A1 is on the minus strand). VCF-style: chr4-979487-G-A. GRCh37 (hg19) VCF-style: chr4-973275-G-A.
Identifiers: ClinVar variation 4994735 (VCV004994735.1).

ClinVar aggregate classification (germline): Likely benign (1 of 4 stars; one submission).

Conditions:
SLC26A1-related disorder. Also called: SLC26A1-related condition.

gnomAD v4.1: 1 of 1,613,882 alleles (0.000062%); highest among the groups gnomAD compares: African/African-American, 0.0013%; no homozygotes.

Submission:

PreventionGenetics, part of Exact Sciences
Classification: Likely benign for SLC26A1-related condition. Last evaluated: 2026-02-23. Review status: criteria provided, single submitter. Criteria: ACMG Guidelines, 2015. Collection method: clinical testing. Allele origin: germline.
Comment: This variant is classified as likely benign based on ACMG/AMP sequence variant interpretation guidelines (Richards et al. 2015 PMID: 25741868, with internal and published modifications).